The following is an entry in ClinVar:

NM_002547.3(OPHN1):c.265G>T (p.Glu89Ter)

Gene: OPHN1 (oligophrenin 1; minus strand). Cytogenetic location: Xq12.
Variant type: single nucleotide variant.
Coding change: c.265G>T on transcript NM_002547.3 (MANE Select); coding-DNA position 265, G replaced by T.
Protein change: p.Glu89Ter; replaces glutamic acid 89 with a stop codon.
Molecular consequence: nonsense.
Genome position (GRCh38, 1-based): chrX:68,283,103, C>A on the plus strand (G>T on the coding strand, the complement: OPHN1 is on the minus strand). VCF-style: chrX-68283103-C-A. GRCh37 (hg19) VCF-style: chrX-67502945-C-A.
Other names: c.265G>T, p.Glu89Ter (NM_001437258.1); short protein forms E89*.
Identifiers: ClinVar variation 5018545 (VCV005018545.1).

ClinVar aggregate classification (germline): Likely pathogenic (1 of 4 stars; one submission).

Conditions:
Intellectual developmental disorder, X-linked, syndromic, Billuart type. Also called: MENTAL RETARDATION, X-LINKED 60; X-linked intellectual disability-cerebellar hypoplasia syndrome. Identifiers: Orphanet 137831, MedGen C1845366, MONDO:0010337, OMIM 300486.

Submission:

Juno Genomics, Hangzhou Juno Genomics, Inc
Classification: Likely pathogenic for Intellectual developmental disorder, X-linked, syndromic, Billuart type. Review status: criteria provided, single submitter. Criteria: ACMG Guidelines, 2015. Collection method: clinical testing. Allele origin: germline. Affected: yes.
Comment: Absent from controls (or at extremely low frequency if recessive) in Genome Aggregation Database.;Null variant in a gene where loss of function (LOF) is a known mechanism of disease.